The following is an entry in ClinVar:

NM_001039591.3(USP9X):c.2537A>G (p.Glu846Gly)

Gene: USP9X (ubiquitin specific peptidase 9 X-linked; plus strand). Cytogenetic location: Xp11.4.
Variant type: single nucleotide variant.
Coding change: c.2537A>G on transcript NM_001039591.3 (MANE Select); coding-DNA position 2537, A replaced by G.
Protein change: p.Glu846Gly; replaces glutamic acid 846 with glycine.
Molecular consequence: missense variant.
Genome position (GRCh38, 1-based): chrX:41,168,119, A>G. VCF-style: chrX-41168119-A-G. GRCh37 (hg19) VCF-style: chrX-41027372-A-G.
Other names: c.2537A>G, p.Glu846Gly (NM_001039590.3); c.2552A>G, p.Glu851Gly (NM_001410748.1, NM_001410749.1, NM_001437534.1); short protein forms E846G, E851G.
Identifiers: ClinVar variation 4687088 (VCV004687088.1).

ClinVar aggregate classification (germline): Uncertain significance (1 of 4 stars; one submission).

Submission:

GeneDx
Classification: Uncertain significance. Last evaluated: 2025-07-25. Review status: criteria provided, single submitter. Criteria: GeneDx Variant Classification Process June 2021. Collection method: clinical testing. Allele origin: germline. Affected: yes.
Comment: Not observed at significant frequency in large population cohorts (gnomAD); In silico analysis supports that this missense variant has a deleterious effect on protein structure/function; Has not been previously published as pathogenic or benign to our knowledge